The following is an entry in ClinVar:

ClinVar aggregate classification (germline): Uncertain significance. Review status: criteria provided, multiple submitters, no conflicts (2 of 4 stars). 2 submissions from 2 submitters: Uncertain significance (2). Last evaluated 2024-05-04.

Conditions:
Gastrointestinal stromal tumor. Also called: Gastrointestinal stromal tumor, somatic; Gastrointestinal stroma tumor. Identifiers: Orphanet 44890, MedGen C0238198, MeSH D046152, MONDO:0011719, OMIM 606764, HP:0100723.
Hereditary cancer-predisposing syndrome. Also called: Hereditary neoplastic syndrome; Neoplastic Syndromes, Hereditary; Hereditary Cancer Syndrome; Tumor predisposition. Identifiers: Orphanet 140162, MedGen C0027672, MeSH D009386, MONDO:0015356.

Allele frequency attached by ClinVar (database versions not stated): gnomAD exomes below 0.00001.
gnomAD v4.1: 1 of 1,614,034 alleles (0.000062%); highest among the groups gnomAD compares: Non-Finnish European, 0.000085%; no homozygotes.

Submissions (2):

Ambry Genetics
Classification: Uncertain significance for Hereditary cancer-predisposing syndrome. Last evaluated: 2024-05-04. Review status: criteria provided, single submitter. Criteria: Ambry Variant Classification Scheme 2023. Collection method: clinical testing. Allele origin: germline.
Comment: The p.G51S variant (also known as c.151G>A), located in coding exon 2 of the KIT gene, results from a G to A substitution at nucleotide position 151. The glycine at codon 51 is replaced by serine, an amino acid with similar properties. This amino acid position is conserved. In addition, the in silico prediction for this alteration is inconclusive. Based on the available evidence, the clinical significance of this variant remains unclear.

Labcorp Genetics (formerly Invitae), Labcorp
Classification: Uncertain significance for Gastrointestinal stromal tumor. Last evaluated: 2022-08-16. Review status: criteria provided, single submitter. Criteria: Invitae Variant Classification Sherloc (09022015). Collection method: clinical testing. Allele origin: germline.
Comment: In summary, the available evidence is currently insufficient to determine the role of this variant in disease. Therefore, it has been classified as a Variant of Uncertain Significance. Algorithms developed to predict the effect of missense changes on protein structure and function are either unavailable or do not agree on the potential impact of this missense change (SIFT: "Tolerated"; PolyPhen-2: "Probably Damaging"; Align-GVGD: "Class C0"). ClinVar contains an entry for this variant (Variation ID: 963632). This variant has not been reported in the literature in individuals affected with KIT-related conditions. This variant is not present in population databases (gnomAD no frequency). This sequence change replaces glycine, which is neutral and non-polar, with serine, which is neutral and polar, at codon 51 of the KIT protein (p.Gly51Ser).

NM_000222.3(KIT):c.151G>A (p.Gly51Ser)

Gene: KIT (KIT proto-oncogene, receptor tyrosine kinase; plus strand). Cytogenetic location: 4q12.
Variant type: single nucleotide variant.
Coding change: c.151G>A on transcript NM_000222.3 (MANE Select); coding-DNA position 151, G replaced by A.
Protein change: p.Gly51Ser; replaces glycine 51 with serine.
Molecular consequence: missense variant.
Genome position (GRCh38, 1-based): chr4:54,695,595, G>A. VCF-style: chr4-54695595-G-A. GRCh37 (hg19) VCF-style: chr4-55561761-G-A.
Other names: c.151G>A, p.Gly51Ser (NM_001093772.2, NM_001385284.1, NM_001385285.1 and 4 more transcripts); short protein forms G51S.
Identifiers: ClinVar variation 963632 (VCV000963632.11), dbSNP rs1720006705, ClinGen allele CA356896940.